The following is an entry in ClinVar:

NM_003742.4(ABCB11):c.451G>A (p.Ala151Thr)

Gene: ABCB11 (ATP binding cassette subfamily B member 11; minus strand). Cytogenetic location: 2q31.1.
Variant type: single nucleotide variant.
Coding change: c.451G>A on transcript NM_003742.4 (MANE Select); coding-DNA position 451, G replaced by A.
Protein change: p.Ala151Thr; replaces alanine 151 with threonine.
Molecular consequence: missense variant.
Genome position (GRCh38, 1-based): chr2:168,996,661, C>T on the plus strand (G>A on the coding strand, the complement: ABCB11 is on the minus strand). VCF-style: chr2-168996661-C-T. GRCh37 (hg19) VCF-style: chr2-169853171-C-T.
Other names: c.451G>A, p.Ala151Thr (LRG_1199t1); short protein forms A151T.
Identifiers: ClinVar variation 598094 (VCV000598094.7), dbSNP rs776561679, ClinGen allele CA1951888.
Genomic context (GRCh38, chr2:168,996,661, plus strand): 5'-ATTGATCTATAAATTATACGGAGGAGCTACTAACTTGAATATATCCTGTGATAAGTACTG[C>T]GACAGCAATTCCAGCATAGTAACTGGCAAATTTGATCATTTCGCTCTCGATGTTCAGCAA-3'
Protein context (NP_003733.2, residues 141-161): FASYYAGIAV[Ala151Thr]VLITGYIQIC

ClinVar aggregate classification (germline): Uncertain significance. Review status: criteria provided, multiple submitters, no conflicts (2 of 4 stars). 3 submissions from 3 submitters: Uncertain significance (3). Last evaluated 2022-08-31.

Conditions:
Benign recurrent intrahepatic cholestasis type 2 (BRIC2). Also called: Recurrent familial intrahepatic cholestasis 2. Identifiers: Orphanet 65682, Orphanet 99961, MedGen C2608083, MONDO:0011559, OMIM 605479.

Allele frequency attached by ClinVar (database versions not stated): ExAC below 0.00001; TOPMed below 0.00001.
gnomAD v4.1: 13 of 1,563,176 alleles (0.00083%); highest among the groups gnomAD compares: South Asian, 0.0024%; no homozygotes.

Submissions (3):

MGZ Medical Genetics Center
Classification: Uncertain significance for Benign recurrent intrahepatic cholestasis type 2. Last evaluated: 2022-08-31. Review status: criteria provided, single submitter. Criteria: ACMG Guidelines, 2015. Collection method: clinical testing. Allele origin: germline. Affected: yes. Observed: 1 variant allele.
Comment: ACMG criteria applied: PM2_SUP

Labcorp Genetics (formerly Invitae), Labcorp
Classification: Uncertain significance. Last evaluated: 2022-07-06. Review status: criteria provided, single submitter. Criteria: Invitae Variant Classification Sherloc (09022015). Collection method: clinical testing. Allele origin: germline.
Comment: This sequence change replaces alanine, which is neutral and non-polar, with threonine, which is neutral and polar, at codon 151 of the ABCB11 protein (p.Ala151Thr). The frequency data for this variant in the population databases is considered unreliable, as metrics indicate poor data quality at this position in the gnomAD database. This variant has not been reported in the literature in individuals affected with ABCB11-related conditions. ClinVar contains an entry for this variant (Variation ID: 598094). Advanced modeling of protein sequence and biophysical properties (such as structural, functional, and spatial information, amino acid conservation, physicochemical variation, residue mobility, and thermodynamic stability) performed at Invitae indicates that this missense variant is not expected to disrupt ABCB11 protein function. In summary, the available evidence is currently insufficient to determine the role of this variant in disease. Therefore, it has been classified as a Variant of Uncertain Significance.

Eurofins Ntd Llc (ga)
Classification: Uncertain significance. Last evaluated: 2018-07-19. Review status: criteria provided, single submitter. Criteria: EGL ClinVar v180209 classification definitions. Collection method: clinical testing. Allele origin: germline. Observed: 1 variant allele, 1 heterozygote.